The following is an entry in ClinVar:

ClinVar aggregate classification (germline): Uncertain significance (1 of 4 stars; one submission).

Conditions:
Familial adenomatous polyposis 1 (FAP1). Also called: FAMILIAL ADENOMATOUS POLYPOSIS 1, ATTENUATED; POLYPOSIS, ADENOMATOUS INTESTINAL. Identifiers: MedGen C2713442, MONDO:0021056, OMIM 175100. Disease mechanism: loss of function.

gnomAD v4.1: 2 of 1,352,054 alleles (0.00015%); highest among the groups gnomAD compares: African/African-American, 0.0014%; no homozygotes.

Submission:

Labcorp Genetics (formerly Invitae), Labcorp
Classification: Uncertain significance for Familial adenomatous polyposis 1. Last evaluated: 2024-06-17. Review status: criteria provided, single submitter. Criteria: Invitae Variant Classification Sherloc (09022015). Collection method: clinical testing. Allele origin: germline.
Comment: This variant occurs in a non-coding region of the APC gene. It does not change the encoded amino acid sequence of the APC protein. This variant is not present in population databases (gnomAD no frequency). This variant has not been reported in the literature in individuals affected with APC-related conditions. Experimental studies and prediction algorithms are not available or were not evaluated, and the functional significance of this variant is currently unknown. In summary, the available evidence is currently insufficient to determine the role of this variant in disease. Therefore, it has been classified as a Variant of Uncertain Significance.

NM_001127511.3(APC):c.-77T>C

Gene: APC (APC regulator of Wnt signaling pathway; plus strand). Cytogenetic location: 5q22.2.
Variant type: single nucleotide variant.
Coding change: c.-77T>C on transcript NM_001127511.3; 77 bases upstream of the start codon, T replaced by C.
Molecular consequence: 5 prime UTR variant. On other transcripts: non-coding transcript variant (2).
Genome position (GRCh38, 1-based): chr5:112,707,641, T>C. VCF-style: chr5-112707641-T-C. GRCh37 (hg19) VCF-style: chr5-112043338-T-C.
Other names: c.-260T>C (NM_001407460.1, NM_001407469.1, NM_001354895.2 and 3 more transcripts); c.-1295T>C (NM_001407470.1, NM_001407472.1); c.-77T>C (NM_001354897.2, NM_001354902.2, NM_001407446.1); c.-27T>C (NM_001407448.1, NM_001407450.1, NM_001407457.1 and 1 more transcripts); c.-51T>C (NM_001407453.1).
Identifiers: ClinVar variation 1062567 (VCV001062567.7), dbSNP rs2149629963, ClinGen allele CA2499217398.